The following is an entry in ClinVar:

ClinVar aggregate classification (germline): Uncertain significance. Review status: criteria provided, multiple submitters, no conflicts (2 of 4 stars). 3 submissions from 3 submitters: Uncertain significance (2). 1 of the submissions does not count toward it. Last evaluated 2025-06-18.

Conditions:
Inborn genetic diseases. Identifiers: MedGen C0950123, MeSH D030342.
CSF3R-related disorder. Also called: CSF3R-related condition.
Autosomal recessive severe congenital neutropenia due to CSF3R deficiency. Also called: Neutropenia, severe congenital, 7, autosomal recessive. Identifiers: Orphanet 420702, MedGen C4310764, MONDO:0014865, OMIM 617014.

Allele frequency attached by ClinVar (database versions not stated): ExAC 0.00003; gnomAD 0.00003; TOPMed 0.00003; gnomAD exomes 0.00005.

Submissions (3):

Ambry Genetics
Classification: Uncertain significance for Inborn genetic diseases. Last evaluated: 2025-06-18. Review status: criteria provided, single submitter. Criteria: Ambry Variant Classification Scheme 2023. Collection method: clinical testing. Allele origin: germline.
Comment: The c.98C>A (p.A33D) alteration is located in exon 4 (coding exon 2) of the CSF3R gene. This alteration results from a C to A substitution at nucleotide position 98, causing the alanine (A) at amino acid position 33 to be replaced by an aspartic acid (D). Based on data from gnomAD, the A allele has an overall frequency of 0.004% (10/281258) total alleles studied. The highest observed frequency was 0.014% (1/7186) of Other alleles. This amino acid position is not well conserved in available vertebrate species. This alteration is predicted to be tolerated by in silico analysis. Based on insufficient or conflicting evidence, the clinical significance of this alteration remains unclear.

Labcorp Genetics (formerly Invitae), Labcorp
Classification: Uncertain significance for Autosomal recessive severe congenital neutropenia due to CSF3R deficiency. Last evaluated: 2023-10-14. Review status: criteria provided, single submitter. Criteria: Invitae Variant Classification Sherloc (09022015). Collection method: clinical testing. Allele origin: germline.
Comment: This sequence change replaces alanine, which is neutral and non-polar, with aspartic acid, which is acidic and polar, at codon 33 of the CSF3R protein (p.Ala33Asp). This variant is present in population databases (rs772847527, gnomAD 0.006%). This variant has not been reported in the literature in individuals affected with CSF3R-related conditions. ClinVar contains an entry for this variant (Variation ID: 2073678). Advanced modeling of protein sequence and biophysical properties (such as structural, functional, and spatial information, amino acid conservation, physicochemical variation, residue mobility, and thermodynamic stability) performed at Invitae indicates that this missense variant is not expected to disrupt CSF3R protein function. In summary, the available evidence is currently insufficient to determine the role of this variant in disease. Therefore, it has been classified as a Variant of Uncertain Significance.

PreventionGenetics, part of Exact Sciences
Classification: Uncertain significance for CSF3R-related condition. Last evaluated: 2023-12-01. Review status: no assertion criteria provided. Collection method: clinical testing. Allele origin: germline. Not counted in ClinVar's aggregate classification.
Comment: The CSF3R c.98C>A variant is predicted to result in the amino acid substitution p.Ala33Asp. To our knowledge, this variant has not been reported in the literature. This variant is reported in 0.0062% of alleles in individuals of European (Non-Finnish) descent in gnomAD. At this time, the clinical significance of this variant is uncertain due to the absence of conclusive functional and genetic evidence.

NM_000760.4(CSF3R):c.98C>A (p.Ala33Asp)

Gene: CSF3R (colony stimulating factor 3 receptor; minus strand). Cytogenetic location: 1p34.3.
Variant type: single nucleotide variant.
Coding change: c.98C>A on transcript NM_000760.4 (MANE Select); coding-DNA position 98, C replaced by A.
Protein change: p.Ala33Asp; replaces alanine 33 with aspartic acid.
Molecular consequence: missense variant.
Genome position (GRCh38, 1-based): chr1:36,475,640, G>T on the plus strand (C>A on the coding strand, the complement: CSF3R is on the minus strand). VCF-style: chr1-36475640-G-T. GRCh37 (hg19) VCF-style: chr1-36941241-G-T.
Other names: c.98C>A (NM_000760.3); c.98C>A, p.Ala33Asp (NM_156039.3, NM_172313.3); short protein forms A33D.
Identifiers: ClinVar variation 2073678 (VCV002073678.9), dbSNP rs772847527, ClinGen allele CA769570.